The following is an entry in ClinVar:

ClinVar aggregate classification (germline): Uncertain significance (1 of 4 stars; one submission).

Conditions:
Hypertrophic cardiomyopathy. Also called: HYPERTROPHIC MYOCARDIOPATHY. Identifiers: Orphanet 217569, MedGen C0007194, MeSH D002312, MONDO:0005045, HP:0001639.

Submission:

Labcorp Genetics (formerly Invitae), Labcorp
Classification: Uncertain significance for Hypertrophic cardiomyopathy. Last evaluated: 2021-05-31. Review status: criteria provided, single submitter. Criteria: Invitae Variant Classification Sherloc (09022015). Collection method: clinical testing. Allele origin: germline.
Comment: This sequence change replaces glutamic acid with alanine at codon 536 of the MYH7 protein (p.Glu536Ala). The glutamic acid residue is highly conserved and there is a moderate physicochemical difference between glutamic acid and alanine. This variant is not present in population databases (ExAC no frequency). This variant is found within a region of MYH7 between codons 181 and 937 that contains the majority of the myosin head domain. Missense variants in this region have been shown to be significantly overrepresented in individuals with hypertrophic cardiomyopathy (PMID: 27532257). In summary, the available evidence is currently insufficient to determine the role of this variant in disease. Therefore, it has been classified as a Variant of Uncertain Significance. Algorithms developed to predict the effect of missense changes on protein structure and function (SIFT, PolyPhen-2, Align-GVGD) all suggest that this variant is likely to be disruptive, but these predictions have not been confirmed by published functional studies and their clinical significance is uncertain. This variant has not been reported in the literature in individuals with MYH7-related conditions.

Literature cited by the submitters: PubMed 27532257.

NM_000257.4(MYH7):c.1607A>C (p.Glu536Ala)

Gene: MYH7 (myosin heavy chain 7; minus strand). Cytogenetic location: 14q11.2.
Variant type: single nucleotide variant.
Coding change: c.1607A>C on transcript NM_000257.4 (MANE Select); coding-DNA position 1607, A replaced by C.
Protein change: p.Glu536Ala; replaces glutamic acid 536 with alanine.
Molecular consequence: missense variant.
Genome position (GRCh38, 1-based): chr14:23,427,866, T>G on the plus strand (A>C on the coding strand, the complement: MYH7 is on the minus strand). VCF-style: chr14-23427866-T-G. GRCh37 (hg19) VCF-style: chr14-23897075-T-G.
Other names: short protein forms E536A.
Identifiers: ClinVar variation 1495280 (VCV001495280.8), dbSNP rs730880877, ClinGen allele CA389050210.